The following is an entry in ClinVar:

NM_000466.3(PEX1):c.400A>G (p.Ile134Val)

Gene: PEX1 (peroxisomal biogenesis factor 1; minus strand). Cytogenetic location: 7q21.2.
Variant type: single nucleotide variant.
Coding change: c.400A>G on transcript NM_000466.3 (MANE Select); coding-DNA position 400, A replaced by G.
Protein change: p.Ile134Val; replaces isoleucine 134 with valine.
Molecular consequence: missense variant. On other transcripts: 5 prime UTR variant (1).
Genome position (GRCh38, 1-based): chr7:92,518,213, T>C on the plus strand (A>G on the coding strand, the complement: PEX1 is on the minus strand). VCF-style: chr7-92518213-T-C. GRCh37 (hg19) VCF-style: chr7-92147527-T-C.
Other names: c.400A>G, p.Ile134Val (NM_001282677.2); c.-225A>G (NM_001282678.2); short protein forms I134V.
Identifiers: ClinVar variation 1355725 (VCV001355725.9), dbSNP rs1346290048, ClinGen allele CA368202423.

ClinVar aggregate classification (germline): Uncertain significance. Review status: criteria provided, multiple submitters, no conflicts (2 of 4 stars). 2 submissions from 2 submitters: Uncertain significance (2). Last evaluated 2023-07-07.

Conditions:
Zellweger spectrum disorders (ZS). Also called: Zellweger Spectrum Disorder; Zellweger Spectrum; Zellweger Spectrum Disorder (ZSD); Zellweger syndrome. Identifiers: Orphanet 912, MedGen C0043459, MONDO:0019609.

Allele frequency attached by ClinVar (database versions not stated): gnomAD exomes below 0.00001; TOPMed 0.00002.
gnomAD v4.1: 3 of 1,613,710 alleles (0.00019%); highest among the groups gnomAD compares: Non-Finnish European, 0.00025%; no homozygotes.

Submissions (2):

Labcorp Genetics (formerly Invitae), Labcorp
Classification: Uncertain significance for Zellweger spectrum disorders. Last evaluated: 2023-07-07. Review status: criteria provided, single submitter. Criteria: Invitae Variant Classification Sherloc (09022015). Collection method: clinical testing. Allele origin: germline.
Comment: This variant is present in population databases (no rsID available, gnomAD 0.0009%). This sequence change replaces isoleucine, which is neutral and non-polar, with valine, which is neutral and non-polar, at codon 134 of the PEX1 protein (p.Ile134Val). This variant has not been reported in the literature in individuals affected with PEX1-related conditions. ClinVar contains an entry for this variant (Variation ID: 1355725). Advanced modeling of protein sequence and biophysical properties (such as structural, functional, and spatial information, amino acid conservation, physicochemical variation, residue mobility, and thermodynamic stability) performed at Invitae indicates that this missense variant is not expected to disrupt PEX1 protein function. In summary, the available evidence is currently insufficient to determine the role of this variant in disease. Therefore, it has been classified as a Variant of Uncertain Significance.

Blueprint Genetics
Classification: Uncertain significance. Last evaluated: 2019-09-23. Review status: criteria provided, single submitter. Criteria: ACMG Guidelines, 2015. Collection method: clinical testing. Allele origin: germline.